The following is an entry in ClinVar:

NM_152641.4(ARID2):c.70C>T (p.Arg24Trp)

Gene: ARID2 (AT-rich interaction domain 2; plus strand). Cytogenetic location: 12q12.
Variant type: single nucleotide variant.
Coding change: c.70C>T on transcript NM_152641.4 (MANE Select); coding-DNA position 70, C replaced by T.
Protein change: p.Arg24Trp; replaces arginine 24 with tryptophan.
Molecular consequence: missense variant.
Genome position (GRCh38, 1-based): chr12:45,729,906, C>T. VCF-style: chr12-45729906-C-T. GRCh37 (hg19) VCF-style: chr12-46123689-C-T.
Other names: c.70C>T, p.Arg24Trp (NM_001347839.2); short protein forms R24W.
Identifiers: ClinVar variation 2642908 (VCV002642908.24), dbSNP rs2547601384, ClinGen allele CA384609034.

ClinVar aggregate classification (germline): Uncertain significance (1 of 4 stars; one submission).

Submission:

CeGaT Center for Human Genetics Tuebingen
Classification: Uncertain significance. Last evaluated: 2023-05-01. Review status: criteria provided, single submitter. Criteria: CeGaT Center For Human Genetics Tuebingen Variant Classification Criteria Version 2. Collection method: clinical testing. Allele origin: germline. Affected: yes. Observed: 1 variant allele.
Comment: ARID2: PM2, PP2